The following is an entry in ClinVar:

NM_000321.3(RB1):c.31G>T (p.Ala11Ser)

Gene: RB1 (RB transcriptional corepressor 1; plus strand). Cytogenetic location: 13q14.2.
Variant type: single nucleotide variant.
Coding change: c.31G>T on transcript NM_000321.3 (MANE Select); coding-DNA position 31, G replaced by T.
Protein change: p.Ala11Ser; replaces alanine 11 with serine.
Molecular consequence: missense variant.
Genome position (GRCh38, 1-based): chr13:48,303,943, G>T. VCF-style: chr13-48303943-G-T. GRCh37 (hg19) VCF-style: chr13-48878079-G-T.
Other names: L11910:g.2090G>T; short protein forms A11S.
Identifiers: ClinVar variation 126816 (VCV000126816.8), dbSNP rs587778852, ClinGen allele CA026450.

ClinVar aggregate classification (germline): Uncertain significance. Review status: criteria provided, single submitter (1 of 4 stars). 2 submissions from 2 submitters: Uncertain significance (1). 1 of the submissions does not count toward it. Last evaluated 2021-02-11.

Conditions:
Retinoblastoma (RB1). Also called: RETINOBLASTOMA, SOMATIC. Identifiers: Orphanet 790, MedGen C0035335, MeSH D012175, MONDO:0008380, OMIM 180200, HP:0009919. Disease mechanism: loss of function. Inheritance: Both sporadic and heritable forms are tested..

Submissions (2):

Labcorp Genetics (formerly Invitae), Labcorp
Classification: Uncertain significance for Retinoblastoma. Last evaluated: 2021-02-11. Review status: criteria provided, single submitter. Criteria: Invitae Variant Classification Sherloc (09022015). Collection method: clinical testing. Allele origin: germline.
Comment: In summary, the available evidence is currently insufficient to determine the role of this variant in disease. Therefore, it has been classified as a Variant of Uncertain Significance. Algorithms developed to predict the effect of missense changes on protein structure and function are either unavailable or do not agree on the potential impact of this missense change (SIFT: "Deleterious"; PolyPhen-2: "Not Available"; Align-GVGD: "Class C0"). This variant has not been reported in the literature in individuals with RB1-related conditions. ClinVar contains an entry for this variant (Variation ID: 126816). The frequency data for this variant in the population databases is considered unreliable, as metrics indicate insufficient coverage at this position in the ExAC database. This sequence change replaces alanine with serine at codon 11 of the RB1 protein (p.Ala11Ser). The alanine residue is weakly conserved and there is a moderate physicochemical difference between alanine and serine.

Genetic Diagnostic Laboratory, University of Pennsylvania School of Medicine
Classification: Uncertain significance for Retinoblastoma. Last evaluated: 2013-09-16. Review status: no assertion criteria provided. Collection method: clinical testing. Allele origin: somatic. Affected: yes. Not counted in ClinVar's aggregate classification.